The following is an entry in ClinVar:

ClinVar aggregate classification (germline): Uncertain significance. Review status: criteria provided, multiple submitters, no conflicts (2 of 4 stars). 2 submissions from 2 submitters: Uncertain significance (2). Last evaluated 2024-11-14.

Conditions:
Intellectual developmental disorder, autosomal dominant 63, with macrocephaly. Also called: MENTAL RETARDATION, AUTOSOMAL DOMINANT 63, WITH MACROCEPHALY. Identifiers: MedGen C5394205, MONDO:0032939, OMIM 618825.
Inborn genetic diseases. Identifiers: MedGen C0950123, MeSH D030342.

Allele frequency attached by ClinVar (database versions not stated): gnomAD 0.00001; gnomAD exomes 0.00001; TOPMed 0.00001.
gnomAD v4.1: 17 of 1,611,660 alleles (0.0011%); highest among the groups gnomAD compares: Non-Finnish European, 0.0014%; no homozygotes.

Submissions (2):

Ambry Genetics
Classification: Uncertain significance for Inborn genetic diseases. Last evaluated: 2024-11-14. Review status: criteria provided, single submitter. Criteria: Ambry Variant Classification Scheme 2023. Collection method: clinical testing. Allele origin: germline.

UNC Molecular Genetics  Laboratory, University of North Carolina at Chapel Hill
Classification: Uncertain significance for Intellectual developmental disorder, autosomal dominant 63, with macrocephaly. Last evaluated: 2022-01-25. Review status: criteria provided, single submitter. Criteria: ACMG Guidelines, 2015. Collection method: research. Allele origin: unknown. Observed: 1 variant allele. Study: CSER_NCGENES_2.
Comment: TRIO c.3931C>G p.(Leu1311Val) is a missense variant which is predicted to change a single amino acid in the encoded protein from a leucine to a valine. This variant is observed in gnomAD v2.1.1 with a global minor allele frequency of 0.003% (3 alleles/113,358 alleles, 0 homozygotes). To our knowledge, this variant has not been previously reported in affected individuals in the literature. The predicted amino acid change alters a residue in the GEFD1 domain, where multiple missense variants associated with milder intellectual disability and microcephaly have been reported (PMID 32109419) . This variant is predicted by in silico tools to have a damaging effect on protein function. In the absence of additional clinical or functional evidence, this variant is classified as a variant of uncertain significance.

NM_007118.4(TRIO):c.3931C>G (p.Leu1311Val)

Gene: TRIO (trio Rho guanine nucleotide exchange factor; plus strand). Cytogenetic location: 5p15.2.
Variant type: single nucleotide variant.
Coding change: c.3931C>G on transcript NM_007118.4 (MANE Select); coding-DNA position 3931, C replaced by G.
Protein change: p.Leu1311Val; replaces leucine 1311 with valine.
Molecular consequence: missense variant. On other transcripts: non-coding transcript variant (1).
Genome position (GRCh38, 1-based): chr5:14,388,662, C>G. VCF-style: chr5-14388662-C-G. GRCh37 (hg19) VCF-style: chr5-14388771-C-G.
Other names: c.3931C>G (NM_007118.2); short protein forms L1311V.
Identifiers: ClinVar variation 1712276 (VCV001712276.2), dbSNP rs1366279708, ClinGen allele CA359229029.
Genomic context (GRCh38, chr5:14,388,662, plus strand): 5'-CTCTCTTTAAGGTTCATAATGGCTGAGCTCATTCAAACTGAAAAGGCTTATGTAAGAGAC[C>G]TCCGGGAATGTATGGATGTAAGTAAGTTTTTTTTTTTTTTTTTTGCTTGTTTATTTAGAT-3'
Protein context (NP_009049.2, residues 1301-1321): IQTEKAYVRD[Leu1311Val]RECMDTYLWE